The following is an entry in ClinVar:

NM_001854.4(COL11A1):c.2778A>C (p.Pro926=)

Gene: COL11A1 (collagen type XI alpha 1 chain; minus strand). Cytogenetic location: 1p21.1.
Variant type: single nucleotide variant.
Coding change: c.2778A>C on transcript NM_001854.4 (MANE Select); coding-DNA position 2778, A replaced by C.
Protein change: p.Pro926=; no amino-acid change (proline 926 retained).
Molecular consequence: synonymous variant. On other transcripts: non-coding transcript variant (1).
Genome position (GRCh38, 1-based): chr1:102,974,860, T>G on the plus strand (A>C on the coding strand, the complement: COL11A1 is on the minus strand). VCF-style: chr1-102974860-T-G. GRCh37 (hg19) VCF-style: chr1-103440416-T-G.
Other names: c.2661A>C, p.Pro887= (NM_001190709.2); c.2814A>C, p.Pro938= (NM_080629.3); c.2430A>C, p.Pro810= (NM_080630.4); c.2778A>C (NM_001854.3).
Identifiers: ClinVar variation 1582066 (VCV001582066.11), dbSNP rs200115284, ClinGen allele CA974269.

ClinVar aggregate classification (germline): Likely benign. Review status: criteria provided, multiple submitters, no conflicts (2 of 4 stars). 4 submissions from 4 submitters: Likely benign (4). Last evaluated 2026-02-16.

Conditions:
COL11A1-related disorder. Also called: COL11A1-related condition; COL11A1-related disorders.

Allele frequency attached by ClinVar (database versions not stated): gnomAD 0.00001 and 0.00003; TOPMed 0.00003; gnomAD exomes 0.00005 and 0.00007; ExAC 0.00008; 1000 Genomes Project 30x 0.00031; 1000 Genomes Project 0.00040.
gnomAD v4.1: 84 of 1,613,638 alleles (0.0052%); highest among the groups gnomAD compares: Middle Eastern, 0.099%; 1 homozygote.

Submissions (4):

PreventionGenetics, part of Exact Sciences
Classification: Likely benign for COL11A1-related condition. Last evaluated: 2026-02-16. Review status: criteria provided, single submitter. Criteria: ACMG Guidelines, 2015. Collection method: clinical testing. Allele origin: germline.
Comment: This variant is classified as likely benign based on ACMG/AMP sequence variant interpretation guidelines (Richards et al. 2015 PMID: 25741868, with internal and published modifications).

Labcorp Genetics (formerly Invitae), Labcorp
Classification: Likely benign. Last evaluated: 2026-01-21. Review status: criteria provided, single submitter. Criteria: Invitae Variant Classification Sherloc (09022015). Collection method: clinical testing. Allele origin: germline.

Blueprint Genetics
Classification: Likely benign. Last evaluated: 2024-02-27. Review status: criteria provided, single submitter. Criteria: ACMG Guidelines, 2015. Collection method: clinical testing. Allele origin: germline.

Breakthrough Genomics
Classification: Likely benign. Review status: criteria provided, single submitter. Criteria: ACMG Guidelines, 2015. Collection method: not provided. Allele origin: germline. Inheritance: Autosomal recessive inheritance. Affected: yes.